The following is an entry in ClinVar:

NM_001385641.1(SAMD11):c.2289+1G>A

Gene: SAMD11 (sterile alpha motif domain containing 11; plus strand). Cytogenetic location: 1p36.33.
Variant type: single nucleotide variant.
Coding change: c.2289+1G>A on transcript NM_001385641.1 (MANE Select); the canonical splice donor site of the intron after coding-DNA position 2289, G replaced by A.
Molecular consequence: splice donor variant.
Genome position (GRCh38, 1-based): chr1:943,809, G>A. VCF-style: chr1-943809-G-A. GRCh37 (hg19) VCF-style: chr1-879189-G-A.
Other names: c.2292+1G>A (NM_001385640.1); c.1800+1G>A (NM_152486.4).
Identifiers: ClinVar variation 1924098 (VCV001924098.3), dbSNP rs772384006, ClinGen allele CA503280.

ClinVar aggregate classification (germline): Uncertain significance (1 of 4 stars; one submission).

Allele frequency attached by ClinVar (database versions not stated): gnomAD exomes below 0.00001; TOPMed below 0.00001; ExAC 0.00001.
gnomAD v4.1: 2 of 1,612,928 alleles (0.00012%); highest among the groups gnomAD compares: Admixed American, 0.0033%; no homozygotes.

Submission:

Labcorp Genetics (formerly Invitae), Labcorp
Classification: Uncertain significance. Last evaluated: 2024-01-19. Review status: criteria provided, single submitter. Criteria: Invitae Variant Classification Sherloc (09022015). Collection method: clinical testing. Allele origin: germline.
Comment: This sequence change falls in intron 13 of the SAMD11 gene. It does not directly change the encoded amino acid sequence of the SAMD11 protein. It affects a nucleotide within the consensus splice site. This variant is present in population databases (rs772384006, gnomAD 0.006%). This variant has not been reported in the literature in individuals affected with SAMD11-related conditions. ClinVar contains an entry for this variant (Variation ID: 1924098). Variants that disrupt the consensus splice site are a relatively common cause of aberrant splicing (PMID: 17576681, 9536098). Algorithms developed to predict the effect of sequence changes on RNA splicing suggest that this variant may disrupt the consensus splice site. In summary, the available evidence is currently insufficient to determine the role of this variant in disease. Therefore, it has been classified as a Variant of Uncertain Significance.

Literature cited by the submitters: PubMed 17576681; PubMed 9536098.